The following is an entry in ClinVar:

NM_001376.5(DYNC1H1):c.11006T>C (p.Ile3669Thr)

Gene: DYNC1H1 (dynein cytoplasmic 1 heavy chain 1; plus strand). Cytogenetic location: 14q32.31.
Variant type: single nucleotide variant.
Coding change: c.11006T>C on transcript NM_001376.5 (MANE Select); coding-DNA position 11006, T replaced by C.
Protein change: p.Ile3669Thr; replaces isoleucine 3669 with threonine.
Molecular consequence: missense variant.
Genome position (GRCh38, 1-based): chr14:102,038,557, T>C. VCF-style: chr14-102038557-T-C. GRCh37 (hg19) VCF-style: chr14-102504894-T-C.
Other names: short protein forms I3669T.
Identifiers: ClinVar variation 1502327 (VCV001502327.8), dbSNP rs2152594739, ClinGen allele CA391031767.

ClinVar aggregate classification (germline): Uncertain significance (1 of 4 stars; one submission).

Conditions:
Charcot-Marie-Tooth disease axonal type 2O. Also called: Charcot-Marie-Tooth disease, axonal, type 20; CHARCOT-MARIE-TOOTH NEUROPATHY, AXONAL, TYPE 2O; CHARCOT-MARIE-TOOTH DISEASE, AXONAL, AUTOSOMAL DOMINANT, TYPE 2O; Charcot-Marie-Tooth Neuropathy Type 2O. Identifiers: Orphanet 284232, MedGen C3280220, MONDO:0013644, OMIM 614228.

Submission:

Labcorp Genetics (formerly Invitae), Labcorp
Classification: Uncertain significance for Charcot-Marie-Tooth disease axonal type 2O. Last evaluated: 2021-05-24. Review status: criteria provided, single submitter. Criteria: Invitae Variant Classification Sherloc (09022015). Collection method: clinical testing. Allele origin: germline.
Comment: This variant is not present in population databases (ExAC no frequency). In summary, the available evidence is currently insufficient to determine the role of this variant in disease. Therefore, it has been classified as a Variant of Uncertain Significance. Advanced modeling of protein sequence and biophysical properties (such as structural, functional, and spatial information, amino acid conservation, physicochemical variation, residue mobility, and thermodynamic stability) performed at Invitae indicates that this missense variant is not expected to disrupt DYNC1H1 protein function. This variant has not been reported in the literature in individuals with DYNC1H1-related conditions. This sequence change replaces isoleucine with threonine at codon 3669 of the DYNC1H1 protein (p.Ile3669Thr). The isoleucine residue is highly conserved and there is a moderate physicochemical difference between isoleucine and threonine.